The following is an entry in ClinVar:

ClinVar aggregate classification (germline): Likely pathogenic (1 of 4 stars; one submission).

Conditions:
Hereditary cancer-predisposing syndrome. Also called: Hereditary Cancer Syndrome; Tumor predisposition; Hereditary neoplastic syndrome; Neoplastic Syndromes, Hereditary. Identifiers: Orphanet 140162, MedGen C0027672, MeSH D009386, MONDO:0015356.

Submission:

Ambry Genetics
Classification: Likely pathogenic for Hereditary cancer-predisposing syndrome. Last evaluated: 2024-07-31. Review status: criteria provided, single submitter. Criteria: Ambry Variant Classification Scheme 2023. Collection method: clinical testing. Allele origin: germline.
Comment: The c.261-1G>T intronic variant results from a G to T substitution one nucleotide upstream from coding exon 2 of the MSH6 gene. This variant is considered to be rare based on population cohorts in the Genome Aggregation Database (gnomAD). This nucleotide position is well conserved in available vertebrate species. In silico splice site analysis predicts that this alteration will weaken the native splice acceptor site and will result in the creation or strengthening of a novel splice acceptor site; however, direct evidence is insufficient at this time (Ambry internal data). Alterations that disrupt the canonical splice site are expected to cause aberrant splicing, resulting in an abnormal protein or a transcript that is subject to nonsense-mediated mRNA decay. As such, this alteration is classified as likely pathogenic.

NM_000179.3(MSH6):c.261-1G>T

Gene: MSH6 (mutS homolog 6; plus strand). Cytogenetic location: 2p16.3.
Variant type: single nucleotide variant.
Coding change: c.261-1G>T on transcript NM_000179.3 (MANE Select); the canonical splice acceptor site of the intron before coding-DNA position 261, G replaced by T.
Molecular consequence: splice acceptor variant. On other transcripts: 5 prime UTR variant (1), intron variant (5).
Genome position (GRCh38, 1-based): chr2:47,790,926, G>T. VCF-style: chr2-47790926-G-T. GRCh37 (hg19) VCF-style: chr2-48018065-G-T.
Other names: c.-38G>T (NM_001406830.1); c.261-1G>T (NM_001406809.1, NM_001406796.1, NM_001406813.1 and 6 more transcripts); c.-476-1G>T (NM_001406811.1, NM_001281493.2, NM_001406829.1 and 1 more transcripts); c.-37-1G>T (NM_001406805.1, NM_001406797.1, NM_001406801.1 and 9 more transcripts); c.357-1G>T (NM_001406795.1, NM_001406802.1); c.-668-1G>T (NM_001406807.1); c.-734-1G>T (NM_001406814.1); c.-323-1G>T (NM_001406812.1); and 7 more.
Identifiers: ClinVar variation 3398878 (VCV003398878.1).